The following is an entry in ClinVar:

ClinVar aggregate classification (germline): Uncertain significance (1 of 4 stars; one submission).

Conditions:
Chilton-Okur-Chung neurodevelopmental syndrome (CHOCNS). Identifiers: MedGen C5677022, MONDO:0859239, OMIM 619841.

Submission:

Foundation for Research in Genetics and Endocrinology, FRIGE's Institute of Human Genetics
Classification: Uncertain significance for Chilton-Okur-Chung neurodevelopmental syndrome. Last evaluated: 2025-08-19. Review status: criteria provided, single submitter. Criteria: ACMG Guidelines, 2015. Collection method: clinical testing. Allele origin: germline. Inheritance: Autosomal dominant inheritance. Affected: yes. Observed: 1 heterozygote.
Comment: A heterozygous missense variant in exon 30 of the CDC42BPB gene that results in the amino acid substitution of Arginine for Proline at codon 1414 (p.Pro1414Arg) was detected. The p.Pro1414Arg variant has not been reported in the 1000 genomes, gnomAD (v3.1), gnomAD (v2.1) and topmed databases. The in-silico predictions of the variant are possibly damaging by PolyPhen-2 and damaging by SIFT, LRT and MutationTaster2. The reference codon is conserved across species. In summary, the variant meets our criteria to be classified as variant of uncertain significance.

NM_006035.4(CDC42BPB):c.4241C>G (p.Pro1414Arg)

Gene: CDC42BPB (CDC42 binding protein kinase beta; minus strand). Cytogenetic location: 14q32.32.
Variant type: single nucleotide variant.
Coding change: c.4241C>G on transcript NM_006035.4 (MANE Select); coding-DNA position 4241, C replaced by G.
Protein change: p.Pro1414Arg; replaces proline 1414 with arginine.
Molecular consequence: missense variant.
Genome position (GRCh38, 1-based): chr14:102,944,058, G>C on the plus strand (C>G on the coding strand, the complement: CDC42BPB is on the minus strand). VCF-style: chr14-102944058-G-C. GRCh37 (hg19) VCF-style: chr14-103410395-G-C.
Other names: p.Pro1414Arg; c.4163C>G, p.Pro1388Arg (NM_001411054.1); short protein forms P1388R, P1414R.
Identifiers: ClinVar variation 4082199 (VCV004082199.1).